The following is an entry in ClinVar:

NM_006648.4(WNK2):c.2790C>A (p.His930Gln)

Gene: WNK2 (WNK lysine deficient protein kinase 2; plus strand). Cytogenetic location: 9q22.31.
Variant type: single nucleotide variant.
Coding change: c.2790C>A on transcript NM_006648.4 (MANE Select); coding-DNA position 2790, C replaced by A.
Protein change: p.His930Gln; replaces histidine 930 with glutamine.
Molecular consequence: missense variant.
Genome position (GRCh38, 1-based): chr9:93,259,338, C>A. VCF-style: chr9-93259338-C-A. GRCh37 (hg19) VCF-style: chr9-96021620-C-A.
Other names: c.2790C>A, p.His930Gln (NM_001282394.3); short protein forms H930Q.
Identifiers: ClinVar variation 3470302 (VCV003470302.1).

ClinVar aggregate classification (germline): Uncertain significance (1 of 4 stars; one submission).

gnomAD v4.1: 2 of 1,613,472 alleles (0.00012%); highest among the groups gnomAD compares: Non-Finnish European, 0.00017%; no homozygotes.

Submission:

Ambry Genetics
Classification: Uncertain significance. Last evaluated: 2024-11-22. Review status: criteria provided, single submitter. Criteria: Ambry Variant Classification Scheme 2023. Collection method: clinical testing. Allele origin: germline.
Comment: The p.H930Q variant (also known as c.2790C>A), located in coding exon 11 of the WNK2 gene, results from a C to A substitution at nucleotide position 2790. The histidine at codon 930 is replaced by glutamine, an amino acid with highly similar properties. This amino acid position is conserved. In addition, the in silico prediction for this alteration is inconclusive. Based on the available evidence, the clinical significance of this variant remains unclear.